The following is an entry in ClinVar:

NM_001378615.1(CC2D2A):c.3336C>A (p.Cys1112Ter)

Genes: FBXL5 (F-box and leucine rich repeat protein 5; minus strand), CC2D2A (coiled-coil and C2 domain containing 2A; plus strand). Cytogenetic location: 4p15.32.
Variant type: single nucleotide variant.
Coding change: c.3336C>A on transcript NM_001378615.1 (MANE Select); coding-DNA position 3336, C replaced by A.
Protein change: p.Cys1112Ter; replaces cysteine 1112 with a stop codon.
Molecular consequence: nonsense.
Genome position (GRCh38, 1-based): chr4:15,567,724, C>A. VCF-style: chr4-15567724-C-A. GRCh37 (hg19) VCF-style: chr4-15569347-C-A.
Other names: c.3336C>A, p.Cys1112Ter (NM_001080522.2); c.3189C>A, p.Cys1063Ter (NM_001378617.1); short protein forms C1063*, C1112*.
Identifiers: ClinVar variation 2948745 (VCV002948745.3), dbSNP rs2475074578, ClinGen allele CA356418961.

ClinVar aggregate classification (germline): Pathogenic (1 of 4 stars; one submission).

Conditions:
Joubert syndrome. Also called: JOUBERT-BOLTSHAUSER SYNDROME; Familial aplasia of the vermis. Identifiers: Orphanet 475, MedGen C5979921, MONDO:0018772.
Meckel-Gruber syndrome. Also called: DYSENCEPHALIA SPLANCHNOCYSTICA; GRUBER SYNDROME; Dysencephalia splachnocystica. Identifiers: Orphanet 564, MedGen C0265215, MONDO:0018921.

Submission:

Labcorp Genetics (formerly Invitae), Labcorp
Classification: Pathogenic for Joubert syndrome; Meckel-Gruber syndrome. Last evaluated: 2023-06-10. Review status: criteria provided, single submitter. Criteria: Invitae Variant Classification Sherloc (09022015). Collection method: clinical testing. Allele origin: germline.
Comment: For these reasons, this variant has been classified as Pathogenic. This variant has not been reported in the literature in individuals affected with CC2D2A-related conditions. This variant is not present in population databases (gnomAD no frequency). This sequence change creates a premature translational stop signal (p.Cys1112*) in the CC2D2A gene. It is expected to result in an absent or disrupted protein product. Loss-of-function variants in CC2D2A are known to be pathogenic (PMID: 19777577).

Literature cited by the submitters: PubMed 19777577.